The following is an entry in ClinVar:

ClinVar aggregate classification (germline): Conflicting classifications of pathogenicity. Review status: criteria provided, conflicting classifications (1 of 4 stars). 8 submissions from 8 submitters: Uncertain significance (1); Likely benign (4). 3 of the submissions do not count toward it. Last evaluated 2026-09-01.

Conditions:
C2CD3-related disorder. Also called: C2CD3-related condition.

Allele frequency attached by ClinVar (database versions not stated): 1000 Genomes Project 30x 0.00094; 1000 Genomes Project 0.00100; TOPMed 0.00254; ExAC 0.00259; gnomAD 0.00260 and 0.00270; gnomAD exomes 0.00261 and 0.00507; ESP Exome Variant Server 0.00339.
gnomAD v4.1: 7,674 of 1,613,956 alleles (0.48%); highest among the groups gnomAD compares: Non-Finnish European, 0.62%; 35 homozygotes.

Submissions (8):

CeGaT Center for Human Genetics Tuebingen
Classification: Likely benign. Last evaluated: 2026-09-01. Review status: criteria provided, single submitter. Criteria: CeGaT Center For Human Genetics Tuebingen Variant Classification Criteria Version 2. Collection method: clinical testing. Allele origin: germline. Affected: yes. Observed: 7 variant alleles.
Comment: C2CD3: BP4, BS2

Labcorp Genetics (formerly Invitae), Labcorp
Classification: Likely benign. Last evaluated: 2026-02-01. Review status: criteria provided, single submitter. Criteria: Invitae Variant Classification Sherloc (09022015). Collection method: clinical testing. Allele origin: germline.

GeneDx
Classification: Uncertain significance. Last evaluated: 2024-12-12. Review status: criteria provided, single submitter. Criteria: GeneDx Variant Classification Process June 2021. Collection method: clinical testing. Allele origin: germline. Affected: yes.
Comment: In silico analysis supports that this missense variant has a deleterious effect on protein structure/function; Reported in a patient with desmoplastic small round cell tumor in published literature (PMID: 27863505); This variant is associated with the following publications: (PMID: 27863505)

Blueprint Genetics
Classification: Likely benign. Last evaluated: 2024-11-24. Review status: criteria provided, single submitter. Criteria: ACMG Guidelines, 2015. Collection method: clinical testing. Allele origin: germline.

Breakthrough Genomics
Classification: Likely benign. Review status: criteria provided, single submitter. Criteria: ACMG Guidelines, 2015. Collection method: not provided. Allele origin: germline. Inheritance: Autosomal recessive inheritance. Affected: yes.

PreventionGenetics, part of Exact Sciences
Classification: Likely benign for C2CD3-related condition. Last evaluated: 2020-09-21. Review status: no assertion criteria provided. Collection method: clinical testing. Allele origin: germline. Not counted in ClinVar's aggregate classification.
Comment: This variant is classified as likely benign based on ACMG/AMP sequence variant interpretation guidelines (Richards et al. 2015 PMID: 25741868, with internal and published modifications).

Clinical Genetics DNA and cytogenetics Diagnostics Lab, Erasmus MC, Erasmus Medical Center
Classification: Likely benign. Review status: no assertion criteria provided. Collection method: clinical testing. Allele origin: germline. Affected: yes. Study: VKGL Data-share Consensus. Not counted in ClinVar's aggregate classification.

Diagnostic Laboratory, Department of Genetics, University Medical Center Groningen
Classification: Likely benign. Review status: no assertion criteria provided. Collection method: clinical testing. Allele origin: germline. Affected: yes. Study: VKGL Data-share Consensus. Not counted in ClinVar's aggregate classification.

NM_001286577.2(C2CD3):c.5653T>C (p.Ser1885Pro)

Gene: C2CD3 (C2 domain containing 3 centriole elongation regulator; minus strand). Cytogenetic location: 11q13.4.
Variant type: single nucleotide variant.
Coding change: c.5653T>C on transcript NM_001286577.2 (MANE Select); coding-DNA position 5653, T replaced by C.
Protein change: p.Ser1885Pro; replaces serine 1885 with proline.
Molecular consequence: missense variant.
Genome position (GRCh38, 1-based): chr11:74,042,061, A>G on the plus strand (T>C on the coding strand, the complement: C2CD3 is on the minus strand). VCF-style: chr11-74042061-A-G. GRCh37 (hg19) VCF-style: chr11-73753106-A-G.
Other names: c.5653T>C, p.Ser1885Pro (NM_015531.6); short protein forms S1885P.
Identifiers: ClinVar variation 774697 (VCV000774697.41), dbSNP rs142277857, ClinGen allele CA6181817.